The following is an entry in ClinVar:

ClinVar aggregate classification (germline): Uncertain significance. Review status: criteria provided, multiple submitters, no conflicts (2 of 4 stars). 2 submissions from 2 submitters: Uncertain significance (2). Last evaluated 2023-04-26.

Conditions:
Inborn genetic diseases. Identifiers: MedGen C0950123, MeSH D030342.
MEGF10-related myopathy (CMYO10A). Also called: Congenital myopathy 10A, severe variant. Identifiers: Orphanet 439212, MedGen C3280679, MONDO:0013731, OMIM 614399.

Allele frequency attached by ClinVar (database versions not stated): TOPMed 0.00002; gnomAD 0.00003; gnomAD exomes 0.00003; ExAC 0.00004.
gnomAD v4.1: 31 of 1,612,676 alleles (0.0019%); highest among the groups gnomAD compares: Non-Finnish European, 0.0022%; no homozygotes.

Submissions (2):

Ambry Genetics
Classification: Uncertain significance for Inborn genetic diseases. Last evaluated: 2023-04-26. Review status: criteria provided, single submitter. Criteria: Ambry Variant Classification Scheme 2023. Collection method: clinical testing. Allele origin: germline.

Labcorp Genetics (formerly Invitae), Labcorp
Classification: Uncertain significance for MEGF10-related myopathy. Last evaluated: 2021-08-08. Review status: criteria provided, single submitter. Criteria: Invitae Variant Classification Sherloc (09022015). Collection method: clinical testing. Allele origin: germline.
Comment: In summary, the available evidence is currently insufficient to determine the role of this variant in disease. Therefore, it has been classified as a Variant of Uncertain Significance. Algorithms developed to predict the effect of missense changes on protein structure and function are either unavailable or do not agree on the potential impact of this missense change (SIFT: "Deleterious"; PolyPhen-2: "Benign"; Align-GVGD: "Class C25"). This variant has not been reported in the literature in individuals with MEGF10-related conditions. This variant is present in population databases (rs766501362, ExAC 0.009%). This sequence change replaces arginine with histidine at codon 623 of the MEGF10 protein (p.Arg623His). The arginine residue is highly conserved and there is a small physicochemical difference between arginine and histidine.

NM_001256545.2(MEGF10):c.1868G>A (p.Arg623His)

Gene: MEGF10 (multiple EGF like domains 10; plus strand). Cytogenetic location: 5q23.2.
Variant type: single nucleotide variant.
Coding change: c.1868G>A on transcript NM_001256545.2 (MANE Select); coding-DNA position 1868, G replaced by A.
Protein change: p.Arg623His; replaces arginine 623 with histidine.
Molecular consequence: missense variant.
Genome position (GRCh38, 1-based): chr5:127,434,714, G>A. VCF-style: chr5-127434714-G-A. GRCh37 (hg19) VCF-style: chr5-126770406-G-A.
Other names: c.1868G>A (NM_032446.2); c.1868G>A, p.Arg623His (NM_032446.3); short protein forms R623H.
Identifiers: ClinVar variation 1037335 (VCV001037335.9), dbSNP rs766501362, ClinGen allele CA3391769.